The following is an entry in ClinVar:

NM_001510.4(GRID2):c.1878G>A (p.Thr626=)

Gene: GRID2 (glutamate ionotropic receptor delta type subunit 2; plus strand). Cytogenetic location: 4q22.2.
Variant type: single nucleotide variant.
Coding change: c.1878G>A on transcript NM_001510.4 (MANE Select); coding-DNA position 1878, G replaced by A.
Protein change: p.Thr626=; no amino-acid change (threonine 626 retained).
Molecular consequence: synonymous variant.
Genome position (GRCh38, 1-based): chr4:93,490,658, G>A. VCF-style: chr4-93490658-G-A. GRCh37 (hg19) VCF-style: chr4-94411809-G-A.
Other names: p.Thr626=; c.1593G>A, p.Thr531= (NM_001286838.1).
Identifiers: ClinVar variation 767964 (VCV000767964.13), dbSNP rs142012040, ClinGen allele CA3012407.

ClinVar aggregate classification (germline): Benign/Likely benign. Review status: criteria provided, multiple submitters, no conflicts (2 of 4 stars). 5 submissions from 5 submitters: Benign (2); Likely benign (3). Last evaluated 2026-01-23.

Allele frequency attached by ClinVar (database versions not stated): gnomAD exomes 0.00227; ExAC 0.00258; gnomAD 0.00562 and 0.00594; ESP Exome Variant Server 0.00592; 1000 Genomes Project 0.00639; TOPMed 0.00671; 1000 Genomes Project 30x 0.00734.
gnomAD v4.1: 1,968 of 1,610,398 alleles (0.12%); highest among the groups gnomAD compares: African/African-American, 1.9%; 15 homozygotes.

Submissions (5):

Labcorp Genetics (formerly Invitae), Labcorp
Classification: Benign. Last evaluated: 2026-01-23. Review status: criteria provided, single submitter. Criteria: Invitae Variant Classification Sherloc (09022015). Collection method: clinical testing. Allele origin: germline.

Blueprint Genetics
Classification: Likely benign. Last evaluated: 2024-11-01. Review status: criteria provided, single submitter. Criteria: ACMG Guidelines, 2015. Collection method: clinical testing. Allele origin: germline.

Mayo Clinic Laboratories, Mayo Clinic
Classification: Benign. Last evaluated: 2024-01-02. Review status: criteria provided, single submitter. Criteria: ACMG Guidelines, 2015. Collection method: clinical testing. Allele origin: germline. Observed: 2 variant alleles.
Comment: BA1, BP4, BP7

GeneDx
Classification: Likely benign. Last evaluated: 2021-12-03. Review status: criteria provided, single submitter. Criteria: GeneDx Variant Classification Process June 2021. Collection method: clinical testing. Allele origin: germline. Affected: yes.
Comment: See Variant Classification Assertion Criteria.

Breakthrough Genomics
Classification: Likely benign. Review status: criteria provided, single submitter. Criteria: ACMG Guidelines, 2015. Collection method: not provided. Allele origin: germline. Inheritance: Autosomal recessive inheritance. Affected: yes.